The following is an entry in ClinVar:

NM_018136.5(ASPM):c.3156G>A (p.Ala1052=)

Gene: ASPM (assembly factor for spindle microtubules; minus strand). Cytogenetic location: 1q31.3.
Variant type: single nucleotide variant.
Coding change: c.3156G>A on transcript NM_018136.5 (MANE Select); coding-DNA position 3156, G replaced by A.
Protein change: p.Ala1052=; no amino-acid change (alanine 1052 retained).
Molecular consequence: synonymous variant.
Genome position (GRCh38, 1-based): chr1:197,124,882, C>T on the plus strand (G>A on the coding strand, the complement: ASPM is on the minus strand). VCF-style: chr1-197124882-C-T. GRCh37 (hg19) VCF-style: chr1-197094012-C-T.
Other names: c.3156G>A, p.Ala1052= (NM_001206846.2).
Identifiers: ClinVar variation 384475 (VCV000384475.8), dbSNP rs143680877, ClinGen allele CA1310247.

ClinVar aggregate classification (germline): Likely benign. Review status: criteria provided, multiple submitters, no conflicts (2 of 4 stars). 3 submissions from 3 submitters: Likely benign (3). Last evaluated 2024-12-15.

Conditions:
Microcephaly 5, primary, autosomal recessive (MCPH5). Also called: ASPM Primary Microcephaly. Identifiers: Orphanet 2512, MedGen C1837501, MONDO:0012106, OMIM 608716.

Allele frequency attached by ClinVar (database versions not stated): ExAC 0.00005; gnomAD exomes 0.00005; gnomAD 0.00009 and 0.00010; TOPMed 0.00014; ESP Exome Variant Server 0.00023.
gnomAD v4.1: 38 of 1,604,440 alleles (0.0024%); highest among the groups gnomAD compares: Middle Eastern, 0.038%; no homozygotes.

Submissions (3):

Labcorp Genetics (formerly Invitae), Labcorp
Classification: Likely benign. Last evaluated: 2024-12-15. Review status: criteria provided, single submitter. Criteria: Invitae Variant Classification Sherloc (09022015). Collection method: clinical testing. Allele origin: germline.

Genome-Nilou Lab
Classification: Likely benign for Microcephaly 5, primary, autosomal recessive. Last evaluated: 2023-04-11. Review status: criteria provided, single submitter. Criteria: ACMG Guidelines, 2015. Collection method: clinical testing. Allele origin: germline. Affected: no.

GeneDx
Classification: Likely benign. Last evaluated: 2016-03-18. Review status: criteria provided, single submitter. Criteria: GeneDx Variant Classification (06012015). Collection method: clinical testing. Allele origin: germline. Affected: yes.
Comment: This variant is considered likely benign or benign based on one or more of the following criteria: it is a conservative change, it occurs at a poorly conserved position in the protein, it is predicted to be benign by multiple in silico algorithms, and/or has population frequency not consistent with disease.